The following is an entry in ClinVar:

NM_004100.5(EYA4):c.1191+4_1191+5insT

Gene: EYA4 (EYA transcriptional coactivator and phosphatase 4; plus strand). Cytogenetic location: 6q23.2.
Variant type: Insertion.
Coding change: c.1191+4_1191+5insT on transcript NM_004100.5 (MANE Select); bases 4 to 5 of the intron after coding-DNA position 1191, T inserted.
Molecular consequence: intron variant.
Genome position: GRCh38 VCF-style: chr6-133483119-A-AT. GRCh37 (hg19) VCF-style: chr6-133804257-A-AT.
Other names: c.1209+4_1209+5insT (NM_001301013.2); c.1191+4_1191+5insT (NM_172105.4); c.1122+4_1122+5insT (NM_001370458.1, NM_172103.4); c.1047+4_1047+5insT (NM_001370459.1); c.1029+4_1029+5insT (NM_001301012.2).
Identifiers: ClinVar variation 2164768 (VCV002164768.4), dbSNP rs1354885794, ClinGen allele CA819216929.

ClinVar aggregate classification (germline): Uncertain significance (1 of 4 stars; one submission).

Conditions:
Dilated cardiomyopathy 1J (CMD1J). Also called: CARDIOMYOPATHY, DILATED, WITH SENSORINEURAL HEARING LOSS, AUTOSOMAL DOMINANT. Identifiers: Orphanet 217622, MedGen C1854368, MONDO:0011541, OMIM 605362.

Allele frequency attached by ClinVar (database versions not stated): gnomAD 0.00001; gnomAD exomes 0.00001; TOPMed 0.00002.

Submission:

Labcorp Genetics (formerly Invitae), Labcorp
Classification: Uncertain significance for Dilated cardiomyopathy 1J. Last evaluated: 2022-07-29. Review status: criteria provided, single submitter. Criteria: Invitae Variant Classification Sherloc (09022015). Collection method: clinical testing. Allele origin: germline.
Comment: This sequence change falls in intron 13 of the EYA4 gene. It does not directly change the encoded amino acid sequence of the EYA4 protein. It affects a nucleotide within the consensus splice site. This variant is not present in population databases (gnomAD no frequency). This variant has not been reported in the literature in individuals affected with EYA4-related conditions. Variants that disrupt the consensus splice site are a relatively common cause of aberrant splicing (PMID: 17576681, 9536098). Algorithms developed to predict the effect of sequence changes on RNA splicing suggest that this variant is not likely to affect RNA splicing. In summary, the available evidence is currently insufficient to determine the role of this variant in disease. Therefore, it has been classified as a Variant of Uncertain Significance.

Literature cited by the submitters: PubMed 17576681; PubMed 9536098.